The following is an entry in ClinVar:

NM_001252024.2(TRPM1):c.1643A>G (p.Tyr548Cys)

Gene: TRPM1 (transient receptor potential cation channel subfamily M member 1; minus strand). Cytogenetic location: 15q13.3.
Variant type: single nucleotide variant.
Coding change: c.1643A>G on transcript NM_001252024.2 (MANE Select); coding-DNA position 1643, A replaced by G.
Protein change: p.Tyr548Cys; replaces tyrosine 548 with cysteine.
Molecular consequence: missense variant.
Genome position (GRCh38, 1-based): chr15:31,047,232, T>C on the plus strand (A>G on the coding strand, the complement: TRPM1 is on the minus strand). VCF-style: chr15-31047232-T-C. GRCh37 (hg19) VCF-style: chr15-31339435-T-C.
Other names: c.1577A>G, p.Tyr526Cys (NM_002420.6); c.1694A>G, p.Tyr565Cys (NM_001252020.2); short protein forms Y548C, Y526C, Y565C.
Identifiers: ClinVar variation 2000311 (VCV002000311.4), dbSNP rs971460100, ClinGen allele CA267478962.

ClinVar aggregate classification (germline): Uncertain significance (1 of 4 stars; one submission).

Allele frequency attached by ClinVar (database versions not stated): gnomAD exomes below 0.00001; TOPMed below 0.00001.
gnomAD v4.1: 1 of 1,614,210 alleles (0.000062%); highest among the groups gnomAD compares: African/African-American, 0.0013%; no homozygotes.

Submission:

Labcorp Genetics (formerly Invitae), Labcorp
Classification: Uncertain significance. Last evaluated: 2025-10-01. Review status: criteria provided, single submitter. Criteria: Invitae Variant Classification Sherloc (09022015). Collection method: clinical testing. Allele origin: germline.
Comment: This sequence change replaces tyrosine, which is neutral and polar, with cysteine, which is neutral and slightly polar, at codon 526 of the TRPM1 protein (p.Tyr526Cys). This variant is not present in population databases (gnomAD no frequency). This variant has not been reported in the literature in individuals affected with TRPM1-related conditions. ClinVar contains an entry for this variant (Variation ID: 2000311). Invitae Evidence Modeling of protein sequence and biophysical properties (such as structural, functional, and spatial information, amino acid conservation, physicochemical variation, residue mobility, and thermodynamic stability) indicates that this missense variant is expected to disrupt TRPM1 protein function with a positive predictive value of 80%. In summary, the available evidence is currently insufficient to determine the role of this variant in disease. Therefore, it has been classified as a Variant of Uncertain Significance.